The following is an entry in ClinVar:

ClinVar aggregate classification (germline): Likely benign. Review status: criteria provided, multiple submitters, no conflicts (2 of 4 stars). 2 submissions from 2 submitters: Likely benign (2). Last evaluated 2025-11-11.

Conditions:
Hereditary leiomyomatosis and renal cell cancer. Also called: MULTIPLE CUTANEOUS AND UTERINE LEIOMYOMATA 1, WITH OR WITHOUT RENAL CELL CARCINOMA; LEIOMYOMA, MULTIPLE CUTANEOUS; Familial leiomyomatosis; FH tumor predisposition syndrome; Reed syndrome; Multiple cutaneous and uterine leiomyomatosis. Identifiers: Orphanet 523, MedGen C1708350, MONDO:0007888, OMIM 150800, HP:0007437. Disease mechanism: loss of function.

Allele frequency attached by ClinVar (database versions not stated): TOPMed 0.00001.

Submissions (2):

Labcorp Genetics (formerly Invitae), Labcorp
Classification: Likely benign. Last evaluated: 2025-11-11. Review status: criteria provided, single submitter. Criteria: Invitae Variant Classification Sherloc (09022015). Collection method: clinical testing. Allele origin: germline.

Myriad Genetics, Inc.
Classification: Likely benign for Hereditary leiomyomatosis and renal cell cancer. Last evaluated: 2024-10-17. Review status: criteria provided, single submitter. Criteria: Myriad Autosomal Dominant, Autosomal Recessive and X-Linked Classification Criteria (2023). Collection method: clinical testing. Allele origin: unknown.
Comment: This variant is considered likely benign. This variant is intronic and is not expected to impact mRNA splicing.

NM_000143.4(FH):c.132+7G>A

Gene: FH (fumarate hydratase; minus strand). Cytogenetic location: 1q43.
Variant type: single nucleotide variant.
Coding change: c.132+7G>A on transcript NM_000143.4 (MANE Select); 7 bases into the intron after coding-DNA position 132, G replaced by A.
Molecular consequence: intron variant.
Genome position (GRCh38, 1-based): chr1:241,519,584, C>T on the plus strand (G>A on the coding strand, the complement: FH is on the minus strand). VCF-style: chr1-241519584-C-T. GRCh37 (hg19) VCF-style: chr1-241682884-C-T.
Identifiers: ClinVar variation 1158860 (VCV001158860.10), dbSNP rs1006041574, ClinGen allele CA733646859.
Genomic context (GRCh38, chr1:241,519,584, plus strand): 5'-CCAGGCCGGCAGGCAGGAGGGCTGAAGGTCACTGCGGGGAGGCCGGGGGATGGCGGCCTG[C>T]GCTCACCATTCGAGCCGCGTTCGGAGGCCAAAACGAGGGCACGGCCGCGCCACCCAAGCC-3'